The following is an entry in ClinVar:

ClinVar aggregate classification (germline): Uncertain significance (1 of 4 stars; one submission).

Conditions:
Achondrogenesis, type IB (ACG1B). Also called: Achondrogenesis Type 1B. Identifiers: Orphanet 932, Orphanet 93298, MedGen C0265274, MONDO:0010966, OMIM 600972.
Multiple epiphyseal dysplasia type 4 (EDM4). Also called: Multiple Epiphyseal Dysplasia, Recessive; MULTIPLE EPIPHYSEAL DYSPLASIA WITH BILAYERED PATELLAE; MULTIPLE EPIPHYSEAL DYSPLASIA WITH CLUBFOOT; MULTIPLE EPIPHYSEAL DYSPLASIA, AUTOSOMAL RECESSIVE; SLC26A2-Related Multiple Epiphyseal Dysplasia. Identifiers: Orphanet 93307, MedGen C1847593, MONDO:0009189, OMIM 226900.
Diastrophic dysplasia (DTD). Also called: Diastrophic dwarfism. Identifiers: Orphanet 628, MedGen C0220726, MONDO:0009107, OMIM 222600.
Atelosteogenesis type II (AO2). Also called: SLC26A2-Related Atelosteogenesis; NEONATAL OSSEOUS DYSPLASIA I; Neonatal osseous dysplasia 1. Identifiers: Orphanet 56304, MedGen C1850554, MONDO:0009727, OMIM 256050.

gnomAD v4.1: 6 of 1,613,688 alleles (0.00037%); highest among the groups gnomAD compares: Non-Finnish European, 0.00042%; no homozygotes.

Submission:

Labcorp Genetics (formerly Invitae), Labcorp
Classification: Uncertain significance for Atelosteogenesis type II; Multiple epiphyseal dysplasia type 4; Achondrogenesis, type IB; Diastrophic dysplasia. Last evaluated: 2022-08-23. Review status: criteria provided, single submitter. Criteria: Invitae Variant Classification Sherloc (09022015). Collection method: clinical testing. Allele origin: germline.
Comment: This sequence change replaces lysine, which is basic and polar, with glutamine, which is neutral and polar, at codon 67 of the SLC26A2 protein (p.Lys67Gln). This variant is not present in population databases (gnomAD no frequency). This variant has not been reported in the literature in individuals affected with SLC26A2-related conditions. Advanced modeling of protein sequence and biophysical properties (such as structural, functional, and spatial information, amino acid conservation, physicochemical variation, residue mobility, and thermodynamic stability) performed at Invitae indicates that this missense variant is not expected to disrupt SLC26A2 protein function. In summary, the available evidence is currently insufficient to determine the role of this variant in disease. Therefore, it has been classified as a Variant of Uncertain Significance.

NM_000112.4(SLC26A2):c.199A>C (p.Lys67Gln)

Gene: SLC26A2 (solute carrier family 26 member 2; plus strand). Cytogenetic location: 5q32.
Variant type: single nucleotide variant.
Coding change: c.199A>C on transcript NM_000112.4 (MANE Select); coding-DNA position 199, A replaced by C.
Protein change: p.Lys67Gln; replaces lysine 67 with glutamine.
Molecular consequence: missense variant.
Genome position (GRCh38, 1-based): chr5:149,977,851, A>C. VCF-style: chr5-149977851-A-C. GRCh37 (hg19) VCF-style: chr5-149357414-A-C.
Other names: short protein forms K67Q.
Identifiers: ClinVar variation 1961692 (VCV001961692.2), dbSNP rs766241120, ClinGen allele CA361704338.